The following is an entry in ClinVar:

ClinVar aggregate classification (germline): Uncertain significance (1 of 4 stars; one submission).

Conditions:
Catecholaminergic polymorphic ventricular tachycardia 1. Also called: VENTRICULAR TACHYCARDIA, CATECHOLAMINERGIC POLYMORPHIC, 1, WITH OR WITHOUT ATRIAL DYSFUNCTION AND/OR DILATED CARDIOMYOPATHY; RYR2-Related Catecholaminergic Polymorphic Ventricular Tachycardia; VENTRICULAR TACHYCARDIA, STRESS-INDUCED POLYMORPHIC 1. Identifiers: Orphanet 3286, MedGen C1631597, MONDO:0011484, OMIM 604772.

Submission:

Labcorp Genetics (formerly Invitae), Labcorp
Classification: Uncertain significance for Catecholaminergic polymorphic ventricular tachycardia 1. Last evaluated: 2019-03-27. Review status: criteria provided, single submitter. Criteria: Invitae Variant Classification Sherloc (09022015). Collection method: clinical testing. Allele origin: germline.
Comment: In summary, the available evidence is currently insufficient to determine the role of this variant in disease. Therefore, it has been classified as a Variant of Uncertain Significance. Algorithms developed to predict the effect of missense changes on protein structure and function are either unavailable or do not agree on the potential impact of this missense change (SIFT: "Deleterious"; PolyPhen-2: "Benign"; Align-GVGD: "Class C65"). This variant has not been reported in the literature in individuals with RYR2-related conditions. This variant is not present in population databases (ExAC no frequency). This sequence change replaces arginine with glycine at codon 3581 of the RYR2 protein (p.Arg3581Gly). The arginine residue is highly conserved and there is a moderate physicochemical difference between arginine and glycine.

NM_001035.3(RYR2):c.10741A>G (p.Arg3581Gly)

Gene: RYR2 (ryanodine receptor 2; plus strand). Cytogenetic location: 1q43.
Variant type: single nucleotide variant.
Coding change: c.10741A>G on transcript NM_001035.3 (MANE Select); coding-DNA position 10741, A replaced by G.
Protein change: p.Arg3581Gly; replaces arginine 3581 with glycine.
Molecular consequence: missense variant.
Genome position (GRCh38, 1-based): chr1:237,727,102, A>G. VCF-style: chr1-237727102-A-G. GRCh37 (hg19) VCF-style: chr1-237890402-A-G.
Other names: short protein forms R3581G.
Identifiers: ClinVar variation 864792 (VCV000864792.11), dbSNP rs1690263854, ClinGen allele CA345416817.